The following is an entry in ClinVar:

ClinVar aggregate classification (germline): Uncertain significance. Review status: criteria provided, multiple submitters, no conflicts (2 of 4 stars). 2 submissions from 2 submitters: Uncertain significance (2). Last evaluated 2026-02-25.

Conditions:
Loeys-Dietz syndrome 4 (LDS4). Also called: TGFB2-Related Loeys-Dietz Syndrome; ANEURYSM, AORTIC AND CEREBRAL, WITH ARTERIAL TORTUOSITY AND SKELETAL MANIFESTATIONS. Identifiers: MedGen C3553762, MONDO:0013897, OMIM 614816.

Submissions (2):

GeneDx
Classification: Uncertain significance. Last evaluated: 2026-02-25. Review status: criteria provided, single submitter. Criteria: GeneDx Variant Classification Process June 2021. Collection method: clinical testing. Allele origin: germline.
Comment: Not observed at significant frequency in large population cohorts (gnomAD); In silico analysis supports that this missense variant has a deleterious effect on protein structure/function; Has not been previously published as pathogenic or benign to our knowledge

Labcorp Genetics (formerly Invitae), Labcorp
Classification: Uncertain significance for Loeys-Dietz syndrome 4. Last evaluated: 2025-06-11. Review status: criteria provided, single submitter. Criteria: Invitae Variant Classification Sherloc (09022015). Collection method: clinical testing. Allele origin: germline.
Comment: This sequence change replaces cysteine, which is neutral and slightly polar, with arginine, which is basic and polar, at codon 317 of the TGFB2 protein (p.Cys317Arg). This variant is not present in population databases (gnomAD no frequency). This variant has not been reported in the literature in individuals affected with TGFB2-related conditions. ClinVar contains an entry for this variant (Variation ID: 855962). Invitae Evidence Modeling of protein sequence and biophysical properties (such as structural, functional, and spatial information, amino acid conservation, physicochemical variation, residue mobility, and thermodynamic stability) indicates that this missense variant is expected to disrupt TGFB2 protein function with a positive predictive value of 80%. In summary, the available evidence is currently insufficient to determine the role of this variant in disease. Therefore, it has been classified as a Variant of Uncertain Significance.

NM_003238.6(TGFB2):c.949T>C (p.Cys317Arg)

Gene: TGFB2 (transforming growth factor beta 2; plus strand). Cytogenetic location: 1q41.
Variant type: single nucleotide variant.
Coding change: c.949T>C on transcript NM_003238.6 (MANE Select); coding-DNA position 949, T replaced by C.
Protein change: p.Cys317Arg; replaces cysteine 317 with arginine.
Molecular consequence: missense variant. On other transcripts: non-coding transcript variant (2).
Genome position (GRCh38, 1-based): chr1:218,437,359, T>C. VCF-style: chr1-218437359-T-C. GRCh37 (hg19) VCF-style: chr1-218610701-T-C.
Other names: c.1033T>C, p.Cys345Arg (NM_001135599.4); short protein forms C317R, C345R.
Identifiers: ClinVar variation 855962 (VCV000855962.13), dbSNP rs1660004413, ClinGen allele CA344727425.